The following is an entry in ClinVar:

NM_025081.3(NYNRIN):c.3412T>G (p.Phe1138Val)

Gene: NYNRIN (NYN domain and retroviral integrase containing; plus strand). Cytogenetic location: 14q12.
Variant type: single nucleotide variant.
Coding change: c.3412T>G on transcript NM_025081.3 (MANE Select); coding-DNA position 3412, T replaced by G.
Protein change: p.Phe1138Val; replaces phenylalanine 1138 with valine.
Molecular consequence: missense variant.
Genome position (GRCh38, 1-based): chr14:24,415,161, T>G. VCF-style: chr14-24415161-T-G. GRCh37 (hg19) VCF-style: chr14-24884367-T-G.
Other names: short protein forms F1138V.
Identifiers: ClinVar variation 4716293 (VCV004716293.1).

ClinVar aggregate classification (germline): Uncertain significance (1 of 4 stars; one submission).

Submission:

Labcorp Genetics (formerly Invitae), Labcorp
Classification: Uncertain significance. Last evaluated: 2025-03-30. Review status: criteria provided, single submitter. Criteria: Invitae Variant Classification Sherloc (09022015). Collection method: clinical testing. Allele origin: germline.
Comment: This sequence change replaces phenylalanine, which is neutral and non-polar, with valine, which is neutral and non-polar, at codon 1138 of the NYNRIN protein (p.Phe1138Val). This variant is not present in population databases (gnomAD no frequency). This variant has not been reported in the literature in individuals affected with NYNRIN-related conditions. Experimental studies and prediction algorithms are not available or were not evaluated, and the functional significance of this variant is currently unknown. In summary, the available evidence is currently insufficient to determine the role of this variant in disease. Therefore, it has been classified as a Variant of Uncertain Significance.